The following is an entry in ClinVar:

ClinVar aggregate classification (germline): Likely pathogenic (1 of 4 stars; one submission).

Conditions:
Orofaciodigital syndrome type 6 (OFD6). Also called: OROFACIODIGITAL SYNDROME VI; OFDS VI; POLYDACTYLY, CLEFT LIP/PALATE OR LINGUAL LUMP, AND PSYCHOMOTOR RETARDATION; VARADI SYNDROME; VARADI-PAPP SYNDROME; Oral-facial-digital syndrome type 6. Identifiers: Orphanet 2754, MedGen C2745997, MONDO:0010176, OMIM 277170.

Submission:

Neuberg Centre For Genomic Medicine, NCGM
Classification: Likely pathogenic for Orofaciodigital syndrome type 6. Last evaluated: 2023-02-14. Review status: criteria provided, single submitter. Criteria: ACMG Guidelines, 2015. Collection method: clinical testing. Allele origin: germline. Inheritance: Autosomal recessive inheritance. Affected: yes.
Comment: The frameshift c.3835_3836del(p.Leu1279ValfsTer8) variant in CPLANE1 gene has not been reported previously as a pathogenic variant nor as a benign variant, to our knowledge. The p.Leu1279ValfsTer8 variant is novel (not in any individuals) in gnomAD Exomes and 1000 Genomes database. This variant has not been reported to the ClinVar database. This variant causes a frameshift starting with codon Leucine 1279, changes this amino acid to Valine residue, and creates a premature Stop codon at position 8 of the new reading frame, denoted p.Leu1279ValfsTer8. This variant is predicted to cause loss of normal protein function through protein truncation. Loss of function variants have been previously reported to be disease causing. Functional studies are required to prove pathogenicity of the variant. For these reasons, this variant has been classified as Likely Pathogenic.

NM_001384732.1(CPLANE1):c.3835_3836del (p.Leu1279fs)

Gene: CPLANE1 (ciliogenesis and planar polarity effector complex subunit 1; minus strand). Cytogenetic location: 5p13.2.
Variant type: Microsatellite.
Coding change: c.3835_3836del on transcript NM_001384732.1 (MANE Select); coding-DNA positions 3835 to 3836, 2 bases deleted (CT; older notation c.3835_3836delCT).
Protein change: p.Leu1279fs; shifts the reading frame from leucine 1279.
Molecular consequence: frameshift variant.
Genome position (GRCh38, 1-based): chr5:37,187,818-37,187,819, AG deleted on the plus strand (CT on the coding strand, the reverse complement: CPLANE1 is on the minus strand); deleting any 2 consecutive bases within chr5:37,187,818-37,187,821 gives the same sequence; the c. name uses the placement nearest the transcript's 3' end. VCF-style (leftmost placement, unchanged base first): chr5-37187817-CAG-C. GRCh37 (hg19) VCF-style: chr5-37187919-CAG-C.
Other names: c.3835_3836del, p.Leu1279fs (NM_023073.4); short protein forms L1279fs.
Identifiers: ClinVar variation 2671728 (VCV002671728.1), dbSNP rs2547903295, ClinGen allele CA2695198600.